The following is an entry in ClinVar:

NM_001267550.2(TTN):c.41275_41278dup (p.Leu13760fs)

Gene: TTN (titin; minus strand). Cytogenetic location: 2q31.2.
Variant type: Duplication.
Coding change: c.41275_41278dup on transcript NM_001267550.2 (MANE Select); coding-DNA positions 41275 to 41278, 4 bases duplicated (GTTT; older notation c.41275_41278dupGTTT).
Protein change: p.Leu13760fs; shifts the reading frame from leucine 13760.
Molecular consequence: frameshift variant.
Genome position (GRCh38, 1-based): chr2:178,636,449-178,636,452, AAAC duplicated on the plus strand (GTTT on the coding strand, the reverse complement: TTN is on the minus strand); duplicating any 4 consecutive bases within chr2:178,636,449-178,636,453 gives the same sequence; the c. name uses the placement nearest the transcript's 3' end. VCF-style (leftmost placement, unchanged base first): chr2-178636448-A-AAAAC. GRCh37 (hg19) VCF-style: chr2-179501175-A-AAAAC.
Other names: c.33571_33574dupGTTT (NM_133378.4); c.36352_36355dup, p.Leu12119fs (NM_001256850.1); c.14080_14083dup, p.Leu4695fs (NM_003319.4); c.33571_33574dup, p.Leu11192fs (NM_133378.4); c.14455_14458dup, p.Leu4820fs (NM_133432.3); c.14656_14659dup, p.Leu4887fs (NM_133437.4); short protein forms L11192fs, L12119fs, L13760fs, L4695fs, L4820fs, L4887fs.
Identifiers: ClinVar variation 4848896 (VCV004848896.1).

ClinVar aggregate classification (germline): Likely pathogenic (1 of 4 stars; one submission).

Conditions:
Primary familial dilated cardiomyopathy (FDC). Also called: Hypokinetic dilated cardiomyopathy, familial; Familial dilated cardiomyopathy. Identifiers: Orphanet 217607, MedGen C0340427, MONDO:0016333.

Submission:

Women's Health and Genetics/Laboratory Corporation of America, LabCorp
Classification: Likely pathogenic for Primary familial dilated cardiomyopathy. Last evaluated: 2026-04-06. Review status: criteria provided, single submitter. Criteria: LabCorp Variant Classification Summary - May 2015. Collection method: clinical testing. Allele origin: germline.
Comment: Variant summary: TTN c.33571_33574dupGTTT (p.Leu11192CysfsX14) results in a premature termination codon, predicted to cause a truncation of the encoded protein or absence of the protein due to nonsense mediated decay, which are commonly known mechanisms for disease. Loss of function variants in all TTN bands are strongly associated with a spectrum of autosomal recessive titinopathies when exon expression (proportion spliced in, PSI, 1=complete expression) in skeletal muscle is >0.1 (PMID: 36977548, 39198997, 29598826, 32778822, 29691892, 33449170, 36977548, internal data). In contrast, loss of function variants in all TTN bands are only strongly associated with autosomal dominant TTN-related cardiomyopathies if located in exons constitutively expressed (PSI >0.9) in cardiac muscle, excluding extreme C-terminal exons 359-363 (PMID: 25589632, 31216868, 32964742, 34662387, 27869827, Shetty et al., Nat Cardiovasc Res 2024,, internal data). This variant has a maximum skeletal muscle PSI of 0.975 and a maximum cardiac muscle PSI of 1.000. The frequency data for this variant in gnomAD is considered unreliable, as metrics indicate poor data quality at this position. To our knowledge, no occurrence of c.33571_33574dupGTTT in individuals affected with TTN-related conditions and no experimental evidence demonstrating its impact on protein function have been reported. No submitters have cited clinical-significance assessments for this variant to ClinVar. Based on the evidence outlined above, the variant was classified as likely pathogenic for both autosomal dominant and autosomal recessive TTN-related conditions.